The following is an entry in ClinVar:

ClinVar aggregate classification (germline): Benign/Likely benign. Review status: criteria provided, multiple submitters, no conflicts (2 of 4 stars). 6 submissions from 6 submitters: Benign (1); Likely benign (5). Last evaluated 2025-12-29.

Conditions:
Hereditary cancer-predisposing syndrome. Also called: Neoplastic Syndromes, Hereditary; Hereditary neoplastic syndrome; Hereditary Cancer Syndrome; Tumor predisposition. Identifiers: Orphanet 140162, MedGen C0027672, MeSH D009386, MONDO:0015356.
POLD1-related polyposis and colorectal cancer syndrome (CRCS10). Also called: Colorectal cancer, susceptibility to, 10; Colorectal cancer 10; COLORECTAL CANCER, SUSCEPTIBILITY TO, ON CHROMOSOME 19q. Identifiers: Orphanet 220460, MedGen C2675481, MONDO:0012953, OMIM 612591.

Allele frequency attached by ClinVar (database versions not stated): ExAC 0.00001; gnomAD 0.00001; gnomAD exomes 0.00001 and 0.00002; TOPMed 0.00003.
gnomAD v4.1: 33 of 1,613,956 alleles (0.002%); highest among the groups gnomAD compares: Non-Finnish European, 0.0024%; no homozygotes.

Submissions (6):

Center for Genomic Medicine, Rigshospitalet, Copenhagen University Hospital
Classification: Likely benign. Last evaluated: 2025-12-29. Review status: criteria provided, single submitter. Criteria: ACMG Guidelines, 2015. Collection method: clinical testing. Allele origin: germline.

Labcorp Genetics (formerly Invitae), Labcorp
Classification: Likely benign for POLD1-related polyposis and colorectal cancer syndrome. Last evaluated: 2025-11-18. Review status: criteria provided, single submitter. Criteria: Invitae Variant Classification Sherloc (09022015). Collection method: clinical testing. Allele origin: germline.

Myriad Genetics, Inc.
Classification: Benign for POLD1-related polyposis and colorectal cancer syndrome. Last evaluated: 2025-02-05. Review status: criteria provided, single submitter. Criteria: Myriad Autosomal Dominant, Autosomal Recessive and X-Linked Classification Criteria (2023). Collection method: clinical testing. Allele origin: unknown.
Comment: This variant is considered benign. This variant is a silent/synonymous amino acid change and it is not expected to impact splicing.

Quest Diagnostics Nichols Institute San Juan Capistrano
Classification: Likely benign. Last evaluated: 2021-04-08. Review status: criteria provided, single submitter. Criteria: Quest Diagnostics criteria. Collection method: clinical testing. Allele origin: unknown.

GeneDx
Classification: Likely benign. Last evaluated: 2020-10-19. Review status: criteria provided, single submitter. Criteria: GeneDx Variant Classification Process June 2021. Collection method: clinical testing. Allele origin: germline. Affected: yes.

Ambry Genetics
Classification: Likely benign for Hereditary cancer-predisposing syndrome. Last evaluated: 2015-06-28. Review status: criteria provided, single submitter. Criteria: Ambry Variant Classification Scheme 2023. Collection method: clinical testing. Allele origin: germline.

NM_002691.4(POLD1):c.1170C>T (p.Pro390=)

Gene: POLD1 (DNA polymerase delta 1, catalytic subunit; plus strand). Cytogenetic location: 19q13.33.
Variant type: single nucleotide variant.
Coding change: c.1170C>T on transcript NM_002691.4 (MANE Select); coding-DNA position 1170, C replaced by T.
Protein change: p.Pro390=; no amino-acid change (proline 390 retained).
Molecular consequence: synonymous variant. On other transcripts: non-coding transcript variant (1).
Genome position (GRCh38, 1-based): chr19:50,403,525, C>T. VCF-style: chr19-50403525-C-T. GRCh37 (hg19) VCF-style: chr19-50906782-C-T.
Other names: c.1170C>T, p.Pro390= (NM_001256849.1, NM_001308632.1).
Identifiers: ClinVar variation 414772 (VCV000414772.59), dbSNP rs753635334, ClinGen allele CA9596056.
Genomic context (GRCh38, chr19:50,403,525, plus strand): 5'-GGGTGACCCAATGTGCTCCCACCCCCAGGCCTGGTCCACCTTCATCCGTATCATGGACCC[C>T]GACGTGATCACCGGTTACAACATCCAGAACTTCGACCTTCCGTACCTCATCTCTCGGGCC-3'
Protein context (NP_002682.2, residues 380-400): AWSTFIRIMD[Pro390=]DVITGYNIQN